The following is an entry in ClinVar:

ClinVar aggregate classification (germline): Uncertain significance. Review status: criteria provided, multiple submitters, no conflicts (2 of 4 stars). 4 submissions from 4 submitters: Uncertain significance (4). Last evaluated 2026-05-03.

Conditions:
Familial thoracic aortic aneurysm and aortic dissection (TAAD). Also called: Thoracic aortic aneurysms and dissections. Identifiers: Orphanet 91387, MedGen C4707243, MONDO:0019625.
Hereditary cancer-predisposing syndrome. Also called: Hereditary Cancer Syndrome; Neoplastic Syndromes, Hereditary; Tumor predisposition; Hereditary neoplastic syndrome. Identifiers: Orphanet 140162, MedGen C0027672, MeSH D009386, MONDO:0015356.
Juvenile polyposis syndrome (JPS). Identifiers: Orphanet 2929, MedGen C0345893, MONDO:0017380, OMIM 174900.
Juvenile polyposis/hereditary hemorrhagic telangiectasia syndrome (JPHT). Also called: JP/HHT SYNDROME; JUVENILE POLYPOSIS WITH HEREDITARY HEMORRHAGIC TELANGIECTASIA; POLYPOSIS, GENERALIZED JUVENILE, WITH PULMONARY ARTERIOVENOUS MALFORMATION; TELANGIECTASIA, HEREDITARY HEMORRHAGIC, WITH JUVENILE POLYPOSIS COLI; Juvenile Polyposis Syndrome / Hereditary Hemorrhagic Telangiectasia (JPS/HHT). Identifiers: Orphanet 2929, MedGen C1832942, MONDO:0008278, OMIM 175050.

Submissions (4):

Ambry Genetics
Classification: Uncertain significance for Hereditary cancer-predisposing syndrome; Familial thoracic aortic aneurysm and aortic dissection. Last evaluated: 2026-05-03. Review status: criteria provided, single submitter. Criteria: Ambry Variant Classification Scheme 2023. Collection method: clinical testing. Allele origin: germline.
Comment: The p.G247E variant (also known as c.740G>A), located in coding exon 5 of the SMAD4 gene, results from a G to A substitution at nucleotide position 740. The glycine at codon 247 is replaced by glutamic acid, an amino acid with similar properties. This amino acid position is conserved. In addition, the in silico prediction for this alteration is inconclusive. Based on the available evidence, the clinical significance of this variant remains unclear.

Color Diagnostics, LLC DBA Color Health
Classification: Uncertain significance for Hereditary cancer-predisposing syndrome. Last evaluated: 2025-03-10. Review status: criteria provided, single submitter. Criteria: ACMG Guidelines, 2015. Collection method: clinical testing. Allele origin: germline.
Comment: This missense variant replaces glycine with glutamic acid at codon 247 of the SMAD4 protein. Computational prediction suggests that this variant may not impact protein structure and function. To our knowledge, functional studies have not been reported for this variant. This variant has not been reported in individuals affected with SMAD4-related disorders in the literature. This variant has not been identified in the general population by the Genome Aggregation Database (gnomAD). The available evidence is insufficient to determine the role of this variant in disease conclusively. Therefore, this variant is classified as a Variant of Uncertain Significance.

Labcorp Genetics (formerly Invitae), Labcorp
Classification: Uncertain significance for Juvenile polyposis syndrome. Last evaluated: 2023-09-11. Review status: criteria provided, single submitter. Criteria: Invitae Variant Classification Sherloc (09022015). Collection method: clinical testing. Allele origin: germline.
Comment: In summary, the available evidence is currently insufficient to determine the role of this variant in disease. Therefore, it has been classified as a Variant of Uncertain Significance. Advanced modeling of protein sequence and biophysical properties (such as structural, functional, and spatial information, amino acid conservation, physicochemical variation, residue mobility, and thermodynamic stability) performed at Invitae indicates that this missense variant is not expected to disrupt SMAD4 protein function. ClinVar contains an entry for this variant (Variation ID: 922880). This variant has not been reported in the literature in individuals affected with SMAD4-related conditions. This variant is not present in population databases (gnomAD no frequency). This sequence change replaces glycine, which is neutral and non-polar, with glutamic acid, which is acidic and polar, at codon 247 of the SMAD4 protein (p.Gly247Glu).

All of Us Research Program, National Institutes of Health
Classification: Uncertain significance for Juvenile polyposis/hereditary hemorrhagic telangiectasia syndrome. Last evaluated: 2023-02-24. Review status: criteria provided, single submitter. Criteria: ACMG Guidelines, 2015. Collection method: clinical testing. Allele origin: germline. Inheritance: Autosomal dominant inheritance. Observed: 1 variant allele, 1 heterozygote.
Comment: This missense variant replaces glycine with glutamic acid at codon 247 of the SMAD4 protein. Computational prediction tool suggests that this variant may not impact protein structure and function (internally defined REVEL score threshold <=0.5, PMID: 27666373). Splice site prediction tools suggest that this variant may not impact RNA splicing. To our knowledge, functional studies have not been performed for this variant. This variant has not been reported in individuals affected with hereditary cancer in the literature. This variant has not been identified in the general population by the Genome Aggregation Database (gnomAD). The available evidence is insufficient to determine the role of this variant in disease conclusively. Therefore, this variant is classified as a Variant of Uncertain Significance.

This study involves interpretation of variants in research participants for the purpose of population health screening. Participant phenotype was not available at the time of variant classification. Additional details can be found in publication PMID: 35346344, PMCID: PMC8962531

NM_005359.6(SMAD4):c.740G>A (p.Gly247Glu)

Gene: SMAD4 (SMAD family member 4; plus strand). Cytogenetic location: 18q21.2.
Variant type: single nucleotide variant.
Coding change: c.740G>A on transcript NM_005359.6 (MANE Select); coding-DNA position 740, G replaced by A.
Protein change: p.Gly247Glu; replaces glycine 247 with glutamic acid.
Molecular consequence: missense variant.
Genome position (GRCh38, 1-based): chr18:51,058,197, G>A. VCF-style: chr18-51058197-G-A. GRCh37 (hg19) VCF-style: chr18-48584567-G-A.
Other names: short protein forms G247E.
Identifiers: ClinVar variation 922880 (VCV000922880.15), dbSNP rs1909893398, ClinGen allele CA402462919.
Genomic context (GRCh38, chr18:51,058,197, plus strand): 5'-GTATACTGGGGGGCAGCCATAGTGAAGGACTGTTGCAGATAGCATCAGGGCCTCAGCCAG[G>A]ACAGCAGCAGAATGGATTTACTGGTCAGCCAGCTACTTACCATCATAGTATGTACATACT-3'
Protein context (NP_005350.1, residues 237-257): LLQIASGPQP[Gly247Glu]QQQNGFTGQP